The following is an entry in ClinVar:

ClinVar aggregate classification (germline): Uncertain significance. Review status: criteria provided, multiple submitters, no conflicts (2 of 4 stars). 2 submissions from 2 submitters: Uncertain significance (2). Last evaluated 2024-11-02.

Conditions:
Inborn genetic diseases. Identifiers: MedGen C0950123, MeSH D030342.

Allele frequency attached by ClinVar (database versions not stated): ExAC 0.00016; TOPMed 0.00001; gnomAD 0.00001.
gnomAD v4.1: 57 of 1,527,570 alleles (0.0037%); highest among the groups gnomAD compares: East Asian, 0.034%; no homozygotes.

Submissions (2):

Labcorp Genetics (formerly Invitae), Labcorp
Classification: Uncertain significance. Last evaluated: 2024-11-02. Review status: criteria provided, single submitter. Criteria: Invitae Variant Classification Sherloc (09022015). Collection method: clinical testing. Allele origin: germline.
Comment: This sequence change replaces asparagine, which is neutral and polar, with aspartic acid, which is acidic and polar, at codon 69 of the LEMD3 protein (p.Asn69Asp). This variant is present in population databases (rs759189662, gnomAD 0.07%), and has an allele count higher than expected for a pathogenic variant. This variant has not been reported in the literature in individuals affected with LEMD3-related conditions. ClinVar contains an entry for this variant (Variation ID: 2071238). An algorithm developed to predict the effect of missense changes on protein structure and function (PolyPhen-2) suggests that this variant is likely to be disruptive. In summary, the available evidence is currently insufficient to determine the role of this variant in disease. Therefore, it has been classified as a Variant of Uncertain Significance.

Ambry Genetics
Classification: Uncertain significance for Inborn genetic diseases. Last evaluated: 2022-10-03. Review status: criteria provided, single submitter. Criteria: Ambry Variant Classification Scheme 2023. Collection method: clinical testing. Allele origin: germline.

NM_014319.5(LEMD3):c.205A>G (p.Asn69Asp)

Gene: LEMD3 (LEM domain containing 3; plus strand). Cytogenetic location: 12q14.3.
Variant type: single nucleotide variant.
Coding change: c.205A>G on transcript NM_014319.5 (MANE Select); coding-DNA position 205, A replaced by G.
Protein change: p.Asn69Asp; replaces asparagine 69 with aspartic acid.
Molecular consequence: missense variant.
Genome position (GRCh38, 1-based): chr12:65,169,801, A>G. VCF-style: chr12-65169801-A-G. GRCh37 (hg19) VCF-style: chr12-65563581-A-G.
Other names: c.205A>G, p.Asn69Asp (NM_001167614.2); short protein forms N69D.
Identifiers: ClinVar variation 2071238 (VCV002071238.5), dbSNP rs759189662, ClinGen allele CA6670695.
Genomic context (GRCh38, chr12:65,169,801, plus strand): 5'-GAAGAGCAGCAACAGCACCGGTCAGGGGGCCGCGGCAACAAGACGCGGAACAGTAATAAC[A>G]ATAACACGGCAGCCGCCACGGTCGCAGCCGCGGGACCAGCGGCGGCGGCGGCCGCGGGGA-3'
Protein context (NP_055134.2, residues 59-79): RGNKTRNSNN[Asn69Asp]NTAAATVAAA